The following is an entry in ClinVar:

ClinVar aggregate classification (germline): Uncertain significance (1 of 4 stars; one submission).

gnomAD v4.1: 14 of 152,348 alleles (0.0092%); highest among the groups gnomAD compares: East Asian, 0.058%; no homozygotes.

Submission:

Dasa
Classification: Uncertain significance. Last evaluated: 2025-11-24. Review status: criteria provided, single submitter. Criteria: DASA Assertion Criteria. Collection method: clinical testing. Allele origin: germline.
Comment: NM_017649.5(CNNM2):c.1621+6111A>G is an intronic variant. This variant is rare in population databases. The currently available literature and clinical evidence are not sufficient to establish a definitive association between this variant and the reported condition. Therefore, this variant is classified as a variant of uncertain significance.

NM_017649.5(CNNM2):c.1621+6111A>G

Gene: CNNM2 (cyclin and CBS domain divalent metal cation transport mediator 2; plus strand). Cytogenetic location: 10q24.32.
Variant type: single nucleotide variant.
Coding change: c.1621+6111A>G on transcript NM_017649.5 (MANE Select); 6111 bases into the intron after coding-DNA position 1621, A replaced by G.
Molecular consequence: intron variant.
Genome position (GRCh38, 1-based): chr10:102,926,212, A>G. VCF-style: chr10-102926212-A-G. GRCh37 (hg19) VCF-style: chr10-104685969-A-G.
Other names: c.1621+6111A>G (NM_199076.3); c.1622-1133A>G (NM_199077.3).
Identifiers: ClinVar variation 4882480 (VCV004882480.2).